The following is an entry in ClinVar:

NM_022168.4(IFIH1):c.1307-8C>A

Gene: IFIH1 (interferon induced with helicase C domain 1; minus strand). Cytogenetic location: 2q24.2.
Variant type: single nucleotide variant.
Coding change: c.1307-8C>A on transcript NM_022168.4 (MANE Select); 8 bases into the intron before coding-DNA position 1307, C replaced by A.
Molecular consequence: intron variant.
Genome position (GRCh38, 1-based): chr2:162,281,553, G>T on the plus strand (C>A on the coding strand, the complement: IFIH1 is on the minus strand). VCF-style: chr2-162281553-G-T. GRCh37 (hg19) VCF-style: chr2-163138063-G-T.
Identifiers: ClinVar variation 4787775 (VCV004787775.1).

ClinVar aggregate classification (germline): Uncertain significance (1 of 4 stars; one submission).

Conditions:
Aicardi-Goutieres syndrome 7 (AGS7). Identifiers: Orphanet 51, MedGen C3888244, MONDO:0014367, OMIM 615846.
Singleton-Merten syndrome 1 (SGMRT1). Also called: Widened medullary cavities of bone, aortic calcification, abnormal dentition, and muscular weakness; Syndrome of widened medullary cavities of the metacarpals and phalanges, aortic calcification and abnormal dentition. Identifiers: Orphanet 85191, MedGen C4225427, MONDO:0024535, OMIM 182250.

Submission:

Labcorp Genetics (formerly Invitae), Labcorp
Classification: Uncertain significance for Aicardi-Goutieres syndrome 7; Singleton-Merten syndrome 1. Last evaluated: 2025-08-10. Review status: criteria provided, single submitter. Criteria: Invitae Variant Classification Sherloc (09022015). Collection method: clinical testing. Allele origin: germline.
Comment: This sequence change falls in intron 6 of the IFIH1 gene. It does not directly change the encoded amino acid sequence of the IFIH1 protein. This variant is not present in population databases (gnomAD no frequency). This variant has not been reported in the literature in individuals affected with IFIH1-related conditions. Algorithms developed to predict the effect of sequence changes on RNA splicing suggest that this variant may disrupt the consensus splice site. In summary, the available evidence is currently insufficient to determine the role of this variant in disease. Therefore, it has been classified as a Variant of Uncertain Significance.